The following is an entry in ClinVar:

NM_004385.5(VCAN):c.*1717C>A

Gene: VCAN (versican; plus strand). Cytogenetic location: 5q14.3.
Variant type: single nucleotide variant.
Coding change: c.*1717C>A on transcript NM_004385.5 (MANE Select); 1717 bases downstream of the stop codon, C replaced by A.
Molecular consequence: 3 prime UTR variant.
Genome position (GRCh38, 1-based): chr5:83,582,151, C>A. VCF-style: chr5-83582151-C-A. GRCh37 (hg19) VCF-style: chr5-82877970-C-A.
Other names: c.*1717C>A (NM_001126336.3, NM_001164097.2, NM_001164098.2).
Identifiers: ClinVar variation 905287 (VCV000905287.4), dbSNP rs537687030, ClinGen allele CA121805200.

ClinVar aggregate classification (germline): Benign. Review status: criteria provided, single submitter (1 of 4 stars). 2 submissions from 1 submitter: Benign (2). Last evaluated 2018-01-13.

Conditions:
Wagner disease. Also called: WAGNER VITREORETINAL DEGENERATION; WAGNER VITREORETINOPATHY; Wagner Vitreoretinal Degeneration (Wagner Synrdome); WAGNER SYNDROME 1; HYALOIDEORETINAL DEGENERATION OF WAGNER; Wagner syndrome. Identifiers: Orphanet 898, MedGen C1840452, MONDO:0007740, OMIM 143200.
Vitreoretinopathy. Also called: Vitreoretinal degeneration. Identifiers: MedGen C0344290, MONDO:0020248, HP:0007773.

Allele frequency attached by ClinVar (database versions not stated): gnomAD below 0.00001 and 0.00013; TOPMed 0.00001; 1000 Genomes Project 30x 0.00094; 1000 Genomes Project 0.00120.

Submissions (2):

Illumina Laboratory Services, Illumina
Classification: Benign for Vitreoretinopathy. Last evaluated: 2018-01-13. Review status: criteria provided, single submitter. Criteria: ICSL Variant Classification Criteria 13 December 2019. Collection method: clinical testing. Allele origin: germline.
Comment: This variant was observed in the ICSL laboratory as part of a predisposition screen in an ostensibly healthy population. It had not been previously curated by ICSL or reported in the Human Gene Mutation Database (HGMD: prior to June 1st, 2018), and was therefore a candidate for classification through an automated scoring system. Utilizing variant allele frequency, disease prevalence and penetrance estimates, and inheritance mode, an automated score was calculated to assess if this variant is too frequent to cause the disease. Based on the score and internal cut-off values, a variant classified as benign is not then subjected to further curation. The score for this variant resulted in a classification of benign for this disease.

Illumina Laboratory Services, Illumina
Classification: Benign for Wagner disease. Last evaluated: 2018-01-13. Review status: criteria provided, single submitter. Criteria: ICSL Variant Classification Criteria 13 December 2019. Collection method: clinical testing. Allele origin: germline.
Comment: the same text as in the submission from Illumina Laboratory Services, Illumina above.